The following is an entry in ClinVar:

ClinVar aggregate classification (germline): Likely pathogenic (1 of 4 stars; one submission).

Conditions:
3-methylcrotonyl-CoA carboxylase 2 deficiency. Also called: METHYLCROTONYLGLYCINURIA, TYPE II; 3 alpha methylcrotonyl-CoA carboxylase 2 deficiency; 3 alpha methylcrotonylglycinuria 2; MCC 2 deficiency; Methylcrotonylglycinuria type 2. Identifiers: Orphanet 6, MedGen C1859499, MONDO:0008862, OMIM 210210.

Allele frequency attached by ClinVar (database versions not stated): gnomAD exomes below 0.00001.
gnomAD v4.1: 1 of 1,613,712 alleles (0.000062%); highest among the groups gnomAD compares: Non-Finnish European, 0.000085%; no homozygotes.

Submission:

Labcorp Genetics (formerly Invitae), Labcorp
Classification: Likely pathogenic for 3-methylcrotonyl-CoA carboxylase 2 deficiency. Last evaluated: 2022-11-02. Review status: criteria provided, single submitter. Criteria: Invitae Variant Classification Sherloc (09022015). Collection method: clinical testing. Allele origin: germline.
Comment: In summary, the currently available evidence indicates that the variant is pathogenic, but additional data are needed to prove that conclusively. Therefore, this variant has been classified as Likely Pathogenic. Algorithms developed to predict the effect of sequence changes on RNA splicing suggest that this variant may disrupt the consensus splice site. ClinVar contains an entry for this variant (Variation ID: 1503430). This variant has not been reported in the literature in individuals affected with MCCC2-related conditions. This variant is not present in population databases (gnomAD no frequency). This sequence change affects a donor splice site in intron 15 of the MCCC2 gene. It is expected to disrupt RNA splicing. Variants that disrupt the donor or acceptor splice site typically lead to a loss of protein function (PMID: 16199547), and loss-of-function variants in MCCC2 are known to be pathogenic (PMID: 11181649, 22642865).

Literature cited by the submitters: PubMed 16199547; PubMed 11181649; PubMed 22642865.

NM_022132.5(MCCC2):c.1488+1G>A

Gene: MCCC2 (methylcrotonyl-CoA carboxylase subunit 2; plus strand). Cytogenetic location: 5q13.2.
Variant type: single nucleotide variant.
Coding change: c.1488+1G>A on transcript NM_022132.5 (MANE Select); the canonical splice donor site of the intron after coding-DNA position 1488, G replaced by A.
Molecular consequence: splice donor variant.
Genome position (GRCh38, 1-based): chr5:71,650,184, G>A. VCF-style: chr5-71650184-G-A. GRCh37 (hg19) VCF-style: chr5-70946011-G-A.
Other names: c.1374+1G>A (NM_001363147.1).
Identifiers: ClinVar variation 1503430 (VCV001503430.8), dbSNP rs2112469361, ClinGen allele CA359999546.